The following is an entry in ClinVar:

ClinVar aggregate classification (germline): Uncertain significance. Review status: criteria provided, multiple submitters, no conflicts (2 of 4 stars). 2 submissions from 2 submitters: Uncertain significance (2). Last evaluated 2025-02-28.

Conditions:
MOGS-congenital disorder of glycosylation. Also called: CDG IIb; GLUCOSIDASE I DEFICIENCY; CDG 2B; MOGS-CDG. Identifiers: Orphanet 79330, MedGen C1853736, MONDO:0011629, OMIM 606056.
Inborn genetic diseases. Identifiers: MedGen C0950123, MeSH D030342.

Allele frequency attached by ClinVar (database versions not stated): gnomAD 0.00001 and 0.00002; TOPMed 0.00003.
gnomAD v4.1: 45 of 1,531,494 alleles (0.0029%); highest among the groups gnomAD compares: Non-Finnish European, 0.0038%; no homozygotes.

Submissions (2):

Ambry Genetics
Classification: Uncertain significance for Inborn genetic diseases. Last evaluated: 2025-02-28. Review status: criteria provided, single submitter. Criteria: Ambry Variant Classification Scheme 2023. Collection method: clinical testing. Allele origin: germline.

Labcorp Genetics (formerly Invitae), Labcorp
Classification: Uncertain significance for MOGS-congenital disorder of glycosylation. Last evaluated: 2022-08-19. Review status: criteria provided, single submitter. Criteria: Invitae Variant Classification Sherloc (09022015). Collection method: clinical testing. Allele origin: germline.
Comment: This sequence change replaces glycine, which is neutral and non-polar, with serine, which is neutral and polar, at codon 35 of the MOGS protein (p.Gly35Ser). This variant is present in population databases (no rsID available, gnomAD 0.01%). This variant has not been reported in the literature in individuals affected with MOGS-related conditions. ClinVar contains an entry for this variant (Variation ID: 534244). Algorithms developed to predict the effect of missense changes on protein structure and function (SIFT, PolyPhen-2, Align-GVGD) all suggest that this variant is likely to be tolerated. In summary, the available evidence is currently insufficient to determine the role of this variant in disease. Therefore, it has been classified as a Variant of Uncertain Significance.

NM_006302.3(MOGS):c.103G>A (p.Gly35Ser)

Genes: MOGS (mannosyl-oligosaccharide glucosidase; minus strand), LOC129934128 (ATAC-STARR-seq lymphoblastoid silent region 11664; plus strand). Cytogenetic location: 2p13.1.
Variant type: single nucleotide variant.
Coding change: c.103G>A on transcript NM_006302.3 (MANE Select); coding-DNA position 103, G replaced by A.
Protein change: p.Gly35Ser; replaces glycine 35 with serine.
Molecular consequence: missense variant. On other transcripts: intron variant (1).
Genome position (GRCh38, 1-based): chr2:74,465,145, C>T on the plus strand (G>A on the coding strand, the complement: MOGS is on the minus strand). VCF-style: chr2-74465145-C-T. GRCh37 (hg19) VCF-style: chr2-74692272-C-T.
Other names: c.103G>A, p.Gly35Ser (LRG_1226t1); c.-58-158G>A (NM_001146158.2); short protein forms G35S.
Identifiers: ClinVar variation 534244 (VCV000534244.8), dbSNP rs908587926, ClinGen allele CA50477120.